The following is an entry in ClinVar:

NM_001379659.1(ZNF142):c.1039C>T (p.Arg347Trp)

Gene: ZNF142 (zinc finger protein 142; minus strand). Cytogenetic location: 2q35.
Variant type: single nucleotide variant.
Coding change: c.1039C>T on transcript NM_001379659.1 (MANE Select); coding-DNA position 1039, C replaced by T.
Protein change: p.Arg347Trp; replaces arginine 347 with tryptophan.
Molecular consequence: missense variant.
Genome position (GRCh38, 1-based): chr2:218,650,368, G>A on the plus strand (C>T on the coding strand, the complement: ZNF142 is on the minus strand). VCF-style: chr2-218650368-G-A. GRCh37 (hg19) VCF-style: chr2-219515091-G-A.
Other names: c.-51C>T (NM_001366288.3, NM_001366289.3, NM_001366287.3); c.1039C>T, p.Arg347Trp (NM_001366290.3, NM_001379660.1, NM_001379661.1); c.439C>T, p.Arg147Trp (NM_001366291.3, NM_001379662.1, NM_001105537.5); short protein forms R147W, R347W.
Identifiers: ClinVar variation 1712562 (VCV001712562.4), dbSNP rs200776065, ClinGen allele CA2109445.

ClinVar aggregate classification (germline): Uncertain significance. Review status: criteria provided, multiple submitters, no conflicts (2 of 4 stars). 2 submissions from 2 submitters: Uncertain significance (2). Last evaluated 2024-07-30.

Conditions:
Inborn genetic diseases. Identifiers: MedGen C0950123, MeSH D030342.

Allele frequency attached by ClinVar (database versions not stated): ESP Exome Variant Server 0.00016; gnomAD 0.00006.
gnomAD v4.1: 455 of 1,614,056 alleles (0.028%); highest among the groups gnomAD compares: Non-Finnish European, 0.037%; 1 homozygote.

Submissions (2):

Ambry Genetics
Classification: Uncertain significance for Inborn genetic diseases. Last evaluated: 2024-07-30. Review status: criteria provided, single submitter. Criteria: Ambry Variant Classification Scheme 2023. Collection method: clinical testing. Allele origin: germline.

GeneDx
Classification: Uncertain significance. Last evaluated: 2022-04-27. Review status: criteria provided, single submitter. Criteria: GeneDx Variant Classification Process June 2021. Collection method: clinical testing. Allele origin: germline. Affected: yes.
Comment: In silico analysis supports that this missense variant does not alter protein structure/function; Has not been previously published as pathogenic or benign to our knowledge